The following is an entry in ClinVar:

NM_001010870.3(TDRD6):c.3806C>G (p.Thr1269Arg)

Gene: TDRD6 (tudor domain containing 6; plus strand). Cytogenetic location: 6p12.3.
Variant type: single nucleotide variant.
Coding change: c.3806C>G on transcript NM_001010870.3 (MANE Select); coding-DNA position 3806, C replaced by G.
Protein change: p.Thr1269Arg; replaces threonine 1269 with arginine.
Molecular consequence: missense variant.
Genome position (GRCh38, 1-based): chr6:46,691,934, C>G. VCF-style: chr6-46691934-C-G. GRCh37 (hg19) VCF-style: chr6-46659671-C-G.
Other names: c.3806C>G, p.Thr1269Arg (NM_001168359.2); short protein forms T1269R.
Identifiers: ClinVar variation 2656627 (VCV002656627.24), dbSNP rs145681001, ClinGen allele CA3839456.

ClinVar aggregate classification (germline): Likely benign (1 of 4 stars; one submission).

Allele frequency attached by ClinVar (database versions not stated): 1000 Genomes Project 30x 0.00187; 1000 Genomes Project 0.00220; ESP Exome Variant Server 0.00277; ExAC 0.00368; gnomAD exomes 0.00434.

Submission:

CeGaT Center for Human Genetics Tuebingen
Classification: Likely benign. Last evaluated: 2023-01-01. Review status: criteria provided, single submitter. Criteria: CeGaT Center For Human Genetics Tuebingen Variant Classification Criteria Version 2. Collection method: clinical testing. Allele origin: germline. Affected: yes. Observed: 1 variant allele.
Comment: TDRD6: BP4, BS2